The following is an entry in ClinVar:

NM_006059.4(LAMC3):c.1252G>A (p.Gly418Arg)

Gene: LAMC3 (laminin subunit gamma 3; plus strand). Cytogenetic location: 9q34.12.
Variant type: single nucleotide variant.
Coding change: c.1252G>A on transcript NM_006059.4 (MANE Select); coding-DNA position 1252, G replaced by A.
Protein change: p.Gly418Arg; replaces glycine 418 with arginine.
Molecular consequence: missense variant.
Genome position (GRCh38, 1-based): chr9:131,039,217, G>A. VCF-style: chr9-131039217-G-A. GRCh37 (hg19) VCF-style: chr9-133914604-G-A.
Other names: short protein forms G418R.
Identifiers: ClinVar variation 1961035 (VCV001961035.2), dbSNP rs753267705, ClinGen allele CA5287001.
Genomic context (GRCh38, chr9:131,039,217, plus strand): 5'-ACAGGCACCTGCGCCTGCAAGCCCACGGTGACTGGCTGGAAGTGTGACCGCTGTCTGCCC[G>A]GGTTCCACTCGCTCAGTGAGGGAGGCTGCAGGTGAGGGCGAGGGGCGGCCCAGTATGGAC-3'
Protein context (NP_006050.3, residues 408-428): TGWKCDRCLP[Gly418Arg]FHSLSEGGCR

ClinVar aggregate classification (germline): Uncertain significance (1 of 4 stars; one submission).

Allele frequency attached by ClinVar (database versions not stated): gnomAD 0.00001; TOPMed 0.00001; ExAC 0.00003.
gnomAD v4.1: 13 of 1,607,010 alleles (0.00081%); highest among the groups gnomAD compares: South Asian, 0.0011%; no homozygotes.

Submission:

Labcorp Genetics (formerly Invitae), Labcorp
Classification: Uncertain significance. Last evaluated: 2022-06-18. Review status: criteria provided, single submitter. Criteria: Invitae Variant Classification Sherloc (09022015). Collection method: clinical testing. Allele origin: germline.
Comment: This sequence change replaces glycine, which is neutral and non-polar, with arginine, which is basic and polar, at codon 418 of the LAMC3 protein (p.Gly418Arg). This variant is present in population databases (rs753267705, gnomAD 0.004%). This variant has not been reported in the literature in individuals affected with LAMC3-related conditions. Algorithms developed to predict the effect of missense changes on protein structure and function are either unavailable or do not agree on the potential impact of this missense change (SIFT: "Deleterious"; PolyPhen-2: "Possibly Damaging"; Align-GVGD: "Class C15"). In summary, the available evidence is currently insufficient to determine the role of this variant in disease. Therefore, it has been classified as a Variant of Uncertain Significance.